The following is an entry in ClinVar:

NM_001365951.3(KIF1B):c.3446C>G (p.Ala1149Gly)

Gene: KIF1B (kinesin family member 1B; plus strand). Cytogenetic location: 1p36.22.
Variant type: single nucleotide variant.
Coding change: c.3446C>G on transcript NM_001365951.3 (MANE Select); coding-DNA position 3446, C replaced by G.
Protein change: p.Ala1149Gly; replaces alanine 1149 with glycine.
Molecular consequence: missense variant.
Genome position (GRCh38, 1-based): chr1:10,339,792, C>G. VCF-style: chr1-10339792-C-G. GRCh37 (hg19) VCF-style: chr1-10399850-C-G.
Other names: c.3446C>G, p.Ala1149Gly (NM_001365952.1); c.3308C>G, p.Ala1103Gly (NM_015074.3); short protein forms A1103G, A1149G.
Identifiers: ClinVar variation 3864037 (VCV003864037.1).
Genomic context (GRCh38, chr1:10,339,792, plus strand): 5'-TGCATTGTTCACGAGTCTTTTTATTTTTTTTATGAAGCTTTTTGCATCGCCATGATGAAG[C>G]ATTCTCCACGGAGCCCCTCAAAAACAATGGCAGAGGAAGTCCCCTGGCCTTTTATCATGT-3'
Protein context (NP_001352880.1, residues 1139-1159): QFNFLHRHDE[Ala1149Gly]FSTEPLKNNG

ClinVar aggregate classification (germline): Uncertain significance (1 of 4 stars; one submission).

Submission:

Ambry Genetics
Classification: Uncertain significance. Last evaluated: 2024-12-15. Review status: criteria provided, single submitter. Criteria: Ambry Variant Classification Scheme 2023. Collection method: clinical testing. Allele origin: germline.
Comment: The p.A1103G variant (also known as c.3308C>G), located in coding exon 29 of the KIF1B gene, results from a C to G substitution at nucleotide position 3308. The alanine at codon 1103 is replaced by glycine, an amino acid with similar properties. This amino acid position is conserved. In addition, the in silico prediction for this alteration is inconclusive. Based on the available evidence, the clinical significance of this variant remains unclear.